The following is an entry in ClinVar:

NM_000545.8(HNF1A):c.1431G>A (p.Met477Ile)

Gene: HNF1A (HNF1 homeobox A; plus strand). Cytogenetic location: 12q24.31.
Variant type: single nucleotide variant.
Coding change: c.1431G>A on transcript NM_000545.8 (MANE Select); coding-DNA position 1431, G replaced by A.
Protein change: p.Met477Ile; replaces methionine 477 with isoleucine.
Molecular consequence: missense variant. On other transcripts: intron variant (1).
Genome position (GRCh38, 1-based): chr12:120,997,595, G>A. VCF-style: chr12-120997595-G-A. GRCh37 (hg19) VCF-style: chr12-121435398-G-A.
Other names: c.1431G>A, p.Met477Ile (NM_001306179.2); c.1309+853G>A (NM_001406915.1); short protein forms M477I.
Identifiers: ClinVar variation 2741522 (VCV002741522.3), dbSNP rs1180896982, ClinGen allele CA386970235.

ClinVar aggregate classification (germline): Uncertain significance (1 of 4 stars; one submission).

Allele frequency attached by ClinVar (database versions not stated): gnomAD exomes below 0.00001.

Submission:

Labcorp Genetics (formerly Invitae), Labcorp
Classification: Uncertain significance. Last evaluated: 2023-06-09. Review status: criteria provided, single submitter. Criteria: Invitae Variant Classification Sherloc (09022015). Collection method: clinical testing. Allele origin: germline.
Comment: In summary, the available evidence is currently insufficient to determine the role of this variant in disease. Therefore, it has been classified as a Variant of Uncertain Significance. Advanced modeling of protein sequence and biophysical properties (such as structural, functional, and spatial information, amino acid conservation, physicochemical variation, residue mobility, and thermodynamic stability) performed at Invitae indicates that this missense variant is not expected to disrupt HNF1A protein function. This variant has not been reported in the literature in individuals affected with HNF1A-related conditions. This variant is present in population databases (no rsID available, gnomAD 0.0009%). This sequence change replaces methionine, which is neutral and non-polar, with isoleucine, which is neutral and non-polar, at codon 477 of the HNF1A protein (p.Met477Ile).